The following is an entry in ClinVar:

NM_007118.4(TRIO):c.5678G>C (p.Arg1893Pro)

Gene: TRIO (trio Rho guanine nucleotide exchange factor; plus strand). Cytogenetic location: 5p15.2.
Variant type: single nucleotide variant.
Coding change: c.5678G>C on transcript NM_007118.4 (MANE Select); coding-DNA position 5678, G replaced by C.
Protein change: p.Arg1893Pro; replaces arginine 1893 with proline.
Molecular consequence: missense variant. On other transcripts: non-coding transcript variant (1).
Genome position (GRCh38, 1-based): chr5:14,465,555, G>C. VCF-style: chr5-14465555-G-C. GRCh37 (hg19) VCF-style: chr5-14465664-G-C.
Other names: short protein forms R1893P.
Identifiers: ClinVar variation 3030480 (VCV003030480.2), dbSNP rs1222550687, ClinGen allele CA359232845.
Genomic context (GRCh38, chr5:14,465,555, plus strand): 5'-CTAATGTGAGCCCTTGCCCCACCCCCTCCTTTTCTTAATTTCTTCTGTAGGCCTCTTCTC[G>C]GTTATTAGTCCGCCCCACCAGCTCCGAAACACCGAGTGCAGCCGAGCTCGTCAGTGCAAT-3'
Protein context (NP_009049.2, residues 1883-1903): PDSQDDKASS[Arg1893Pro]LLVRPTSSET

ClinVar aggregate classification (germline): Uncertain significance (0 of 4 stars; one submission).

Conditions:
TRIO-related disorder. Also called: TRIO-related disorders; TRIO-related condition.

gnomAD v4.1: 2 of 1,613,738 alleles (0.00012%); highest among the groups gnomAD compares: Non-Finnish European, 0.00017%; no homozygotes.

Submission:

PreventionGenetics, part of Exact Sciences
Classification: Uncertain significance for TRIO-related condition. Last evaluated: 2024-02-05. Review status: no assertion criteria provided. Collection method: clinical testing. Allele origin: germline.
Comment: The TRIO c.5678G>C variant is predicted to result in the amino acid substitution p.Arg1893Pro. To our knowledge, this variant has not been reported in the literature or in a large population database, indicating this variant is rare. At this time, the clinical significance of this variant is uncertain due to the absence of conclusive functional and genetic evidence.